The following is an entry in ClinVar:

NM_001379451.1(BCORL1):c.2635G>A (p.Glu879Lys)

Gene: BCORL1 (BCL6 corepressor like 1; plus strand). Cytogenetic location: Xq26.1.
Variant type: single nucleotide variant.
Coding change: c.2635G>A on transcript NM_001379451.1 (MANE Select); coding-DNA position 2635, G replaced by A.
Protein change: p.Glu879Lys; replaces glutamic acid 879 with lysine.
Molecular consequence: missense variant.
Genome position (GRCh38, 1-based): chrX:130,015,407, G>A. VCF-style: chrX-130015407-G-A. GRCh37 (hg19) VCF-style: chrX-129149383-G-A.
Other names: c.2635G>A, p.Glu879Lys (NM_001184772.3, NM_001379450.1, NM_021946.5); short protein forms E879K.
Identifiers: ClinVar variation 3771561 (VCV003771561.13).
Genomic context (GRCh38, chrX:130,015,407, plus strand): 5'-CCCATCAGGCCCACCAGCGTTGTTTCGGAGTTTTCTGGTGTGCCATCTCTCAGCTCCAGC[G>A]AAGCCGTGCACGGACTTCCTGAGGGGCAACCACGGCCTGGGGGCTCCTTCGTTCCAGAGC-3'
Protein context (NP_001366380.1, residues 869-889): FSGVPSLSSS[Glu879Lys]AVHGLPEGQP

ClinVar aggregate classification (germline): Likely benign (1 of 4 stars; one submission).

gnomAD v4.1: 14 of 1,210,958 alleles (0.0012%); highest among the groups gnomAD compares: African/African-American, 0.01%; no homozygotes.

Submission:

CeGaT Center for Human Genetics Tuebingen
Classification: Likely benign. Last evaluated: 2024-12-01. Review status: criteria provided, single submitter. Criteria: CeGaT Center For Human Genetics Tuebingen Variant Classification Criteria Version 2. Collection method: clinical testing. Allele origin: germline. Affected: yes. Observed: 1 variant allele.
Comment: BCORL1: BP4, BS2